The following is an entry in ClinVar:

ClinVar aggregate classification (germline): Uncertain significance (1 of 4 stars; one submission).

gnomAD v4.1: 1 of 1,568,618 alleles (0.000064%); highest among the groups gnomAD compares: Non-Finnish European, 0.000086%; no homozygotes.

Submission:

GeneDx
Classification: Uncertain significance. Last evaluated: 2026-02-21. Review status: criteria provided, single submitter. Criteria: GeneDx Variant Classification Process June 2021. Collection method: clinical testing. Allele origin: germline.
Comment: Not observed at significant frequency in large population cohorts (gnomAD); In silico analysis supports that this missense variant has a deleterious effect on protein structure/function; Has not been previously published as pathogenic or benign to our knowledge

NM_004973.4(JARID2):c.1888T>G (p.Cys630Gly)

Gene: JARID2 (jumonji and AT-rich interaction domain containing 2; plus strand). Cytogenetic location: 6p22.3.
Variant type: single nucleotide variant.
Coding change: c.1888T>G on transcript NM_004973.4 (MANE Select); coding-DNA position 1888, T replaced by G.
Protein change: p.Cys630Gly; replaces cysteine 630 with glycine.
Molecular consequence: missense variant.
Genome position (GRCh38, 1-based): chr6:15,497,113, T>G. VCF-style: chr6-15497113-T-G. GRCh37 (hg19) VCF-style: chr6-15497344-T-G.
Other names: c.1372T>G, p.Cys458Gly (NM_001267040.1); short protein forms C630G, C458G.
Identifiers: ClinVar variation 5009757 (VCV005009757.1).
Genomic context (GRCh38, chr6:15,497,113, plus strand): 5'-CAGATTCAGCACATCCACAAGCTGGGCCGGCGCTGGGGCCCCAACGTGCAGCGGCTGGCC[T>G]GCATCAAGAAGCACCTCAAATCTCAGGGCATCACCATGGACGAGCTCCCGCTCATAGGTA-3'
Protein context (NP_004964.2, residues 620-640): RWGPNVQRLA[Cys630Gly]IKKHLKSQGI